The following is an entry in ClinVar:

NM_130849.4(SLC39A4):c.192+5C>T

Gene: SLC39A4 (solute carrier family 39 member 4; minus strand). Cytogenetic location: 8q24.3.
Variant type: single nucleotide variant.
Coding change: c.192+5C>T on transcript NM_130849.4 (MANE Select); 5 bases into the intron after coding-DNA position 192, C replaced by T.
Molecular consequence: intron variant.
Genome position (GRCh38, 1-based): chr8:144,416,593, G>A on the plus strand (C>T on the coding strand, the complement: SLC39A4 is on the minus strand). VCF-style: chr8-144416593-G-A. GRCh37 (hg19) VCF-style: chr8-145641977-G-A.
Other names: c.192+5C>T (NM_001374839.1).
Identifiers: ClinVar variation 2691605 (VCV002691605.1), dbSNP rs73374077, ClinGen allele CA4941832.

ClinVar aggregate classification (germline): Uncertain significance (1 of 4 stars; one submission).

gnomAD v4.1: 19 of 1,575,884 alleles (0.0012%); highest among the groups gnomAD compares: Admixed American, 0.035%; no homozygotes.

Submission:

Women's Health and Genetics/Laboratory Corporation of America, LabCorp
Classification: Uncertain significance. Last evaluated: 2023-12-11. Review status: criteria provided, single submitter. Criteria: LabCorp Variant Classification Summary - May 2015. Collection method: clinical testing. Allele origin: germline.
Comment: Variant summary: SLC39A4 c.192+5C>T alters a non-conserved nucleotide located close to a canonical splice site and therefore could affect mRNA splicing, leading to a significantly altered protein sequence. Consensus agreement among computation tools predict no significant impact on normal splicing. However, these predictions have yet to be confirmed by functional studies. The variant allele was found at a frequency of 8e-05 in 187592 control chromosomes. This frequency is not significantly higher than estimated for a pathogenic variant in SLC39A4 causing Acrodermatitis Enteropathica (8e-05 vs 0.0022), allowing no conclusion about variant significance. To our knowledge, no occurrence of c.192+5C>T in individuals affected with Acrodermatitis Enteropathica and no experimental evidence demonstrating its impact on protein function have been reported. No submitters have cited clinical-significance assessments for this variant to ClinVar after 2014. Based on the evidence outlined above, the variant was classified as uncertain significance.